The following is an entry in ClinVar:

ClinVar aggregate classification (germline): Benign/Likely benign. Review status: criteria provided, multiple submitters, no conflicts (2 of 4 stars). 6 submissions from 6 submitters: Benign (2); Likely benign (4). Last evaluated 2026-02-01.

Conditions:
Age related macular degeneration 1 (ARMD1). Also called: MACULOPATHY, AGE-RELATED, 1. Identifiers: MedGen C1864205, MONDO:0011285, OMIM 603075.

Allele frequency attached by ClinVar (database versions not stated): gnomAD exomes 0.00059; ExAC 0.00077; gnomAD 0.00208 and 0.00229; TOPMed 0.00257; ESP Exome Variant Server 0.00269; 1000 Genomes Project 30x 0.00297; 1000 Genomes Project 0.00319.
gnomAD v4.1: 752 of 1,612,686 alleles (0.047%); highest among the groups gnomAD compares: African/African-American, 0.75%; 1 homozygote.

Submissions (6):

Labcorp Genetics (formerly Invitae), Labcorp
Classification: Benign. Last evaluated: 2026-02-01. Review status: criteria provided, single submitter. Criteria: Invitae Variant Classification Sherloc (09022015). Collection method: clinical testing. Allele origin: germline.

Genomic Medicine Center of Excellence, King Faisal Specialist Hospital and Research Centre
Classification: Likely benign. Last evaluated: 2025-08-18. Review status: criteria provided, single submitter. Criteria: ACMG Guidelines, 2015. Collection method: clinical testing. Allele origin: germline.

Blueprint Genetics
Classification: Likely benign. Last evaluated: 2024-11-25. Review status: criteria provided, single submitter. Criteria: ACMG Guidelines, 2015. Collection method: clinical testing. Allele origin: germline.

Genome-Nilou Lab
Classification: Benign for Age related macular degeneration 1. Last evaluated: 2023-04-11. Review status: criteria provided, single submitter. Criteria: ACMG Guidelines, 2015. Collection method: clinical testing. Allele origin: germline. Affected: no.

Illumina Laboratory Services, Illumina
Classification: Likely benign for Age related macular degeneration 1. Last evaluated: 2018-01-12. Review status: criteria provided, single submitter. Criteria: ICSL Variant Classification Criteria 13 December 2019. Collection method: clinical testing. Allele origin: germline.
Comment: This variant was observed in the ICSL laboratory as part of a predisposition screen in an ostensibly healthy population. It had not been previously curated by ICSL or reported in the Human Gene Mutation Database (HGMD: prior to June 1st, 2018), and was therefore a candidate for classification through an automated scoring system. Utilizing variant allele frequency, disease prevalence and penetrance estimates, and inheritance mode, an automated score was calculated to assess if this variant is too frequent to cause the disease. Based on the score and internal cut-off values, a variant classified as likely benign is not then subjected to further curation. The score for this variant resulted in a classification of likely benign for this disease.

Breakthrough Genomics
Classification: Likely benign. Review status: criteria provided, single submitter. Criteria: ACMG Guidelines, 2015. Collection method: not provided. Allele origin: germline. Inheritance: Autosomal dominant inheritance. Affected: yes.

NM_031935.3(HMCN1):c.4475+9C>A

Gene: HMCN1 (hemicentin 1; plus strand). Cytogenetic location: 1q31.1.
Variant type: single nucleotide variant.
Coding change: c.4475+9C>A on transcript NM_031935.3 (MANE Select); 9 bases into the intron after coding-DNA position 4475, C replaced by A.
Molecular consequence: intron variant.
Genome position (GRCh38, 1-based): chr1:186,003,853, C>A. VCF-style: chr1-186003853-C-A. GRCh37 (hg19) VCF-style: chr1-185972985-C-A.
Identifiers: ClinVar variation 294148 (VCV000294148.16), dbSNP rs111694556, ClinGen allele CA1292011.